The following is an entry in ClinVar:

ClinVar aggregate classification (germline): Uncertain significance (1 of 4 stars; one submission).

gnomAD v4.1: 13 of 1,609,134 alleles (0.00081%); highest among the groups gnomAD compares: Non-Finnish European, 0.0011%; no homozygotes.

Submission:

Labcorp Genetics (formerly Invitae), Labcorp
Classification: Uncertain significance. Last evaluated: 2021-12-21. Review status: criteria provided, single submitter. Criteria: Invitae Variant Classification Sherloc (09022015). Collection method: clinical testing. Allele origin: germline.
Comment: In summary, the available evidence is currently insufficient to determine the role of this variant in disease. Therefore, it has been classified as a Variant of Uncertain Significance. Algorithms developed to predict the effect of missense changes on protein structure and function are either unavailable or do not agree on the potential impact of this missense change (SIFT: "Tolerated"; PolyPhen-2: "Possibly Damaging"; Align-GVGD: "Class C0"). This variant has not been reported in the literature in individuals affected with PROM1-related conditions. The frequency data for this variant in the population databases is considered unreliable, as metrics indicate poor data quality at this position in the gnomAD database. This sequence change replaces alanine, which is neutral and non-polar, with threonine, which is neutral and polar, at codon 674 of the PROM1 protein (p.Ala674Thr).

NM_006017.3(PROM1):c.2020G>A (p.Ala674Thr)

Gene: PROM1 (prominin 1; minus strand). Cytogenetic location: 4p15.32.
Variant type: single nucleotide variant.
Coding change: c.2020G>A on transcript NM_006017.3 (MANE Select); coding-DNA position 2020, G replaced by A.
Protein change: p.Ala674Thr; replaces alanine 674 with threonine.
Molecular consequence: missense variant.
Genome position (GRCh38, 1-based): chr4:15,989,788, C>T on the plus strand (G>A on the coding strand, the complement: PROM1 is on the minus strand). VCF-style: chr4-15989788-C-T. GRCh37 (hg19) VCF-style: chr4-15991411-C-T.
Other names: c.1993G>A, p.Ala665Thr (NM_001145847.2, NM_001145848.2, NM_001145851.2 and 4 more transcripts); c.2020G>A, p.Ala674Thr (NM_001145849.2, NM_001145850.2); short protein forms A665T, A674T.
Identifiers: ClinVar variation 2154730 (VCV002154730.4), dbSNP rs775321230, ClinGen allele CA92579449.
Genomic context (GRCh38, chr4:15,989,788, plus strand): 5'-TTACCAGTGATTGTTCTATAGGAAGGACTCGTTGCTGGTGAATTGTTTTAATAGTTTGTG[C>T]ATCTCTTTTCAGGGAGTTCCTCAAATTTCCTGGGGGCTACAAAAAGAATAAAAAACAAAG-3'
Protein context (NP_006008.1, residues 664-684): GNLRNSLKRD[Ala674Thr]QTIKTIHQQR